The following is an entry in ClinVar:

ClinVar aggregate classification (germline): Uncertain significance. Review status: criteria provided, multiple submitters, no conflicts (2 of 4 stars). 2 submissions from 2 submitters: Uncertain significance (2). Last evaluated 2024-10-25.

gnomAD v4.1: 3 of 1,548,774 alleles (0.00019%); highest among the groups gnomAD compares: Admixed American, 0.0059%; no homozygotes.

Submissions (2):

Labcorp Genetics (formerly Invitae), Labcorp
Classification: Uncertain significance. Last evaluated: 2024-10-25. Review status: criteria provided, single submitter. Criteria: Invitae Variant Classification Sherloc (09022015). Collection method: clinical testing. Allele origin: germline.
Comment: This sequence change replaces glutamine, which is neutral and polar, with lysine, which is basic and polar, at codon 770 of the EYS protein (p.Gln770Lys). The frequency data for this variant in the population databases is considered unreliable, as metrics indicate poor data quality at this position in the gnomAD database. This variant has not been reported in the literature in individuals affected with EYS-related conditions. ClinVar contains an entry for this variant (Variation ID: 1896059). Invitae Evidence Modeling of protein sequence and biophysical properties (such as structural, functional, and spatial information, amino acid conservation, physicochemical variation, residue mobility, and thermodynamic stability) indicates that this missense variant is not expected to disrupt EYS protein function with a negative predictive value of 80%. In summary, the available evidence is currently insufficient to determine the role of this variant in disease. Therefore, it has been classified as a Variant of Uncertain Significance.

Blueprint Genetics
Classification: Uncertain significance. Last evaluated: 2019-08-20. Review status: criteria provided, single submitter. Criteria: ACMG Guidelines, 2015. Collection method: clinical testing. Allele origin: germline.

NM_001142800.2(EYS):c.2308C>A (p.Gln770Lys)

Gene: EYS (EGF-like photoreceptor maintenance factor; minus strand). Cytogenetic location: 6q12.
Variant type: single nucleotide variant.
Coding change: c.2308C>A on transcript NM_001142800.2 (MANE Select); coding-DNA position 2308, C replaced by A.
Protein change: p.Gln770Lys; replaces glutamine 770 with lysine.
Molecular consequence: missense variant.
Genome position (GRCh38, 1-based): chr6:64,945,866, G>T on the plus strand (C>A on the coding strand, the complement: EYS is on the minus strand). VCF-style: chr6-64945866-G-T. GRCh37 (hg19) VCF-style: chr6-65655759-G-T.
Other names: c.2308C>A, p.Gln770Lys (NM_001292009.2); short protein forms Q770K.
Identifiers: ClinVar variation 1896059 (VCV001896059.5), dbSNP rs992863438, ClinGen allele CA364788179.